The following is an entry in ClinVar:

ClinVar aggregate classification (germline): Pathogenic. Review status: reviewed by expert panel (3 of 4 stars). 2 submissions from 2 submitters: Pathogenic (1). 1 of the submissions does not count toward it. Last evaluated 2016-09-08.

Conditions:
Breast-ovarian cancer, familial, susceptibility to, 1 (BROVCA1). Also called: OVARIAN CANCER, SUSCEPTIBILITY TO; BRCA1 Hereditary Breast and Ovarian Cancer. Identifiers: Orphanet 145, MedGen C2676676, MONDO:0011450, OMIM 604370. Disease mechanism: loss of function.

Submissions (2):

Evidence-based Network for the Interpretation of Germline Mutant Alleles (ENIGMA)
Classification: Pathogenic for Breast-ovarian cancer, familial, susceptibility to, 1. Last evaluated: 2016-09-08. Review status: reviewed by expert panel. Criteria: ENIGMA BRCA1/2 Classification Criteria (2015). Collection method: curation. Allele origin: germline.
Comment: Variant allele predicted to encode a truncated non-functional protein.

Sharing Clinical Reports Project (SCRP)
Classification: Pathogenic for Breast-ovarian cancer, familial 1. Last evaluated: 2007-07-25. Review status: no assertion criteria provided. Collection method: clinical testing. Allele origin: germline. Not counted in ClinVar's aggregate classification.

NM_007294.4(BRCA1):c.4427dup (p.Phe1477fs)

Gene: BRCA1 (BRCA1 DNA repair associated; minus strand). Cytogenetic location: 17q21.31.
Variant type: Duplication.
Coding change: c.4427dup on transcript NM_007294.4 (MANE Select); coding-DNA position 4427, one base duplicated (A; older notation c.4427dupA).
Protein change: p.Phe1477fs; shifts the reading frame from phenylalanine 1477.
Molecular consequence: frameshift variant. On other transcripts: non-coding transcript variant (1).
Genome position (GRCh38, 1-based): chr17:43,076,545, T duplicated on the plus strand (A on the coding strand, the reverse complement: BRCA1 is on the minus strand); the first of 2 consecutive T bases (chr17:43,076,545-43,076,546); duplicating either gives the same sequence. VCF-style (leftmost placement, unchanged base first): chr17-43076544-C-CT. GRCh37 (hg19) VCF-style: chr17-41228561-C-CT.
Other names: 4546insA; c.4427dupA (NM_007294.3); c.4213dup, p.Phe1406Valfs (NM_001407571.1, NM_001407894.1, NM_001407895.1 and 12 more transcripts); c.4492dup, p.Phe1499Valfs (NM_001407581.1, NM_001407582.1); c.4489dup, p.Phe1498Valfs (NM_001407583.1, NM_001407585.1, NM_001407587.1); c.4486dup, p.Phe1497Valfs (NM_001407590.1, NM_001407591.1); c.4426dup, p.Phe1477Valfs (NM_001407593.1, NM_001407594.1, NM_001407596.1 and 8 more transcripts); c.4423dup, p.Phe1476Valfs (NM_001407610.1, NM_001407611.1, NM_001407612.1 and 17 more transcripts); and 73 more; short protein forms F1477fs, F1430fs, F373fs, F1498fs.
Identifiers: ClinVar variation 37592 (VCV000037592.3), dbSNP rs397507231, ClinGen allele CA002851.